The following is an entry in ClinVar:

Conditions:
Breast-ovarian cancer, familial, susceptibility to, 1 (BROVCA1). Also called: BRCA1 Hereditary Breast and Ovarian Cancer; OVARIAN CANCER, SUSCEPTIBILITY TO. Identifiers: Orphanet 145, MedGen C2676676, MONDO:0011450, OMIM 604370. Disease mechanism: loss of function.

Submission:

Brotman Baty Institute, University of Washington
No classification provided (evidence only). Condition: Breast-ovarian cancer, familial 1. Review status: no classification provided. Collection method: in vitro. Allele origin: not applicable. Functional consequence: functionally_normal.
ClinVar note: "not provided" was previously submitted as the classification for the variant. However, the classification appeared to be based only on an observation of functional data so it was converted to no classification on 2025-07-30.

NM_007294.4(BRCA1):c.5180A>T (p.Lys1727Ile)

Gene: BRCA1 (BRCA1 DNA repair associated; minus strand). Cytogenetic location: 17q21.31.
Variant type: single nucleotide variant.
Coding change: c.5180A>T on transcript NM_007294.4 (MANE Select); coding-DNA position 5180, A replaced by T.
Protein change: p.Lys1727Ile; replaces lysine 1727 with isoleucine.
Molecular consequence: missense variant. On other transcripts: non-coding transcript variant (1).
Genome position (GRCh38, 1-based): chr17:43,063,346, T>A on the plus strand (A>T on the coding strand, the complement: BRCA1 is on the minus strand). VCF-style: chr17-43063346-T-A. GRCh37 (hg19) VCF-style: chr17-41215363-T-A.
Other names: c.5246A>T, p.Lys1749Ile (NM_001407581.1, NM_001407582.1); c.5243A>T, p.Lys1748Ile (NM_001407583.1, NM_001407585.1, NM_001407587.1 and 1 more transcripts); c.5177A>T, p.Lys1726Ile (NM_001407610.1, NM_001407611.1, NM_001407612.1 and 17 more transcripts); c.5174A>T, p.Lys1725Ile (NM_001407629.1, NM_001407630.1, NM_001407631.1 and 14 more transcripts); c.5120A>T, p.Lys1707Ile (NM_001407649.1); c.5102A>T, p.Lys1701Ile (NM_001407652.1, NM_001407653.1, NM_001407654.1 and 1 more transcripts); c.5099A>T, p.Lys1700Ile (NM_001407656.1, NM_001407657.1, NM_001407658.1); c.5096A>T, p.Lys1699Ile (NM_001407659.1, NM_001407660.1, NM_001407661.1 and 2 more transcripts); and 72 more; short protein forms K1680I, K623I, K1727I, K1748I, K1430I, K1573I, K1598I, K1616I.
Identifiers: ClinVar variation 867447 (VCV000867447.3), dbSNP rs2051859511, ClinGen allele CA10591183.